The following is an entry in ClinVar:

ClinVar aggregate classification (germline): Pathogenic (1 of 4 stars; one submission).

Conditions:
Duchenne muscular dystrophy (DMD). Also called: Duchenne Muscular Dystrophy (DMD); MUSCULAR DYSTROPHY, PSEUDOHYPERTROPHIC PROGRESSIVE, DUCHENNE TYPE. Identifiers: Orphanet 98896, MedGen C0013264, MONDO:0010679, OMIM 310200.

Submission:

Labcorp Genetics (formerly Invitae), Labcorp
Classification: Pathogenic for Duchenne muscular dystrophy. Last evaluated: 2024-11-27. Review status: criteria provided, single submitter. Criteria: Invitae Variant Classification Sherloc (09022015). Collection method: clinical testing. Allele origin: germline.
Comment: This sequence change creates a premature translational stop signal (p.Leu1780*) in the DMD gene. It is expected to result in an absent or disrupted protein product. Loss-of-function variants in DMD are known to be pathogenic (PMID: 16770791, 25007885). This variant is not present in population databases (gnomAD no frequency). This variant has not been reported in the literature in individuals affected with DMD-related conditions. For these reasons, this variant has been classified as Pathogenic.

Literature cited by the submitters: PubMed 16770791; PubMed 25007885.

NM_004006.3(DMD):c.5339T>A (p.Leu1780Ter)

Gene: DMD (dystrophin; minus strand). Cytogenetic location: Xp21.1.
Variant type: single nucleotide variant.
Coding change: c.5339T>A on transcript NM_004006.3 (MANE Select); coding-DNA position 5339, T replaced by A.
Protein change: p.Leu1780Ter; replaces leucine 1780 with a stop codon.
Molecular consequence: nonsense.
Genome position (GRCh38, 1-based): chrX:32,348,515, A>T on the plus strand (T>A on the coding strand, the complement: DMD is on the minus strand). VCF-style: chrX-32348515-A-T. GRCh37 (hg19) VCF-style: chrX-32366632-A-T.
Other names: c.5315T>A, p.Leu1772Ter (NM_000109.4); c.5327T>A, p.Leu1776Ter (NM_004009.3); c.4970T>A, p.Leu1657Ter (NM_004010.3); c.1316T>A, p.Leu439Ter (NM_004011.4); c.1307T>A, p.Leu436Ter (NM_004012.4); short protein forms L436*, L1780*, L439*, L1657*, L1772*, L1776*.
Identifiers: ClinVar variation 3726191 (VCV003726191.2).